The following is an entry in ClinVar:

NM_020070.4(IGLL1):c.203G>A (p.Gly68Asp)

Gene: IGLL1 (immunoglobulin lambda like polypeptide 1; minus strand). Cytogenetic location: 22q11.23.
Variant type: single nucleotide variant.
Coding change: c.203G>A on transcript NM_020070.4 (MANE Select); coding-DNA position 203, G replaced by A.
Protein change: p.Gly68Asp; replaces glycine 68 with aspartic acid.
Molecular consequence: missense variant.
Genome position (GRCh38, 1-based): chr22:23,579,988, C>T on the plus strand (G>A on the coding strand, the complement: IGLL1 is on the minus strand). VCF-style: chr22-23579988-C-T. GRCh37 (hg19) VCF-style: chr22-23922175-C-T.
Other names: c.203G>A, p.Gly68Asp (NM_001369906.1, NM_152855.3); short protein forms G68D.
Identifiers: ClinVar variation 1355401 (VCV001355401.6), dbSNP rs745592691, ClinGen allele CA10143409.
Genomic context (GRCh38, chr22:23,579,988, plus strand): 5'-CCTTTCCCGCCTCTGCCACCCAGACCCCCACATCCCCTGGAATCTCTCACCCCTTACCTG[C>T]CCCACCGGCTCCTCAGGCTGGACCGGCTGCTTCCTCCAGGGGCTCCAGGGCCCAGGGCCC-3'
Protein context (NP_064455.1, residues 58-78): SSRSSLRSRW[Gly68Asp]RFLLQRGSWT

ClinVar aggregate classification (germline): Uncertain significance (1 of 4 stars; one submission).

Conditions:
Agammaglobulinemia 2, autosomal recessive (AGM2). Also called: AGAMMAGLOBULINEMIA, AUTOSOMAL RECESSIVE, DUE TO IGLL1 DEFECT. Identifiers: MedGen C3150750, MONDO:0013287, OMIM 613500.

Allele frequency attached by ClinVar (database versions not stated): gnomAD 0.00001; gnomAD exomes 0.00001; ExAC 0.00008.
gnomAD v4.1: 17 of 1,578,170 alleles (0.0011%); highest among the groups gnomAD compares: Non-Finnish European, 0.0014%; no homozygotes.

Submission:

Labcorp Genetics (formerly Invitae), Labcorp
Classification: Uncertain significance for Agammaglobulinemia 2, autosomal recessive. Last evaluated: 2022-06-27. Review status: criteria provided, single submitter. Criteria: Invitae Variant Classification Sherloc (09022015). Collection method: clinical testing. Allele origin: germline.
Comment: In summary, the available evidence is currently insufficient to determine the role of this variant in disease. Therefore, it has been classified as a Variant of Uncertain Significance. Algorithms developed to predict the effect of missense changes on protein structure and function output the following: SIFT: "Tolerated"; PolyPhen-2: "Possibly Damaging"; Align-GVGD: "Class C0". The aspartic acid amino acid residue is found in multiple mammalian species, which suggests that this missense change does not adversely affect protein function. This variant has not been reported in the literature in individuals affected with IGLL1-related conditions. The frequency data for this variant in the population databases is considered unreliable, as metrics indicate poor data quality at this position in the gnomAD database. This sequence change replaces glycine, which is neutral and non-polar, with aspartic acid, which is acidic and polar, at codon 68 of the IGLL1 protein (p.Gly68Asp).